The following is an entry in ClinVar:

NM_138576.4(BCL11B):c.2242G>A (p.Gly748Ser)

Gene: BCL11B (BCL11 transcription factor B; minus strand). Cytogenetic location: 14q32.2.
Variant type: single nucleotide variant.
Coding change: c.2242G>A on transcript NM_138576.4 (MANE Select); coding-DNA position 2242, G replaced by A.
Protein change: p.Gly748Ser; replaces glycine 748 with serine.
Molecular consequence: missense variant.
Genome position (GRCh38, 1-based): chr14:99,174,594, C>T on the plus strand (G>A on the coding strand, the complement: BCL11B is on the minus strand). VCF-style: chr14-99174594-C-T. GRCh37 (hg19) VCF-style: chr14-99640931-C-T.
Other names: c.2239G>A, p.Gly747Ser (NM_001282237.2); c.2026G>A, p.Gly676Ser (NM_001282238.2); c.2029G>A, p.Gly677Ser (NM_022898.3); short protein forms G676S, G677S, G747S, G748S.
Identifiers: ClinVar variation 1312925 (VCV001312925.2), dbSNP rs2139753920, ClinGen allele CA390933653.
Genomic context (GRCh38, chr14:99,174,594, plus strand): 5'-TGCGGCCCGAGAGGCCGCCGTCCAGCAGGTCCCCGGGCGGCGTGGAGAAGCGCAGGCTGC[C>T]GTTCTCGGACGAGTGCTCGGACGACGTGGCGAAGGGCGACTGTCGTGCGTCCGTGAAGCC-3'
Protein context (NP_612808.1, residues 738-758): ATSSEHSSEN[Gly748Ser]SLRFSTPPGD

ClinVar aggregate classification (germline): Uncertain significance (1 of 4 stars; one submission).

Submission:

GeneDx
Classification: Uncertain significance. Last evaluated: 2020-07-15. Review status: criteria provided, single submitter. Criteria: GeneDx Variant Classification Process June 2021. Collection method: clinical testing. Allele origin: germline. Affected: yes.
Comment: Not observed in large population cohorts (Lek et al., 2016); In silico analysis supports that this missense variant has a deleterious effect on protein structure/function; Has not been previously published as pathogenic or benign to our knowledge